The following is an entry in ClinVar:

NM_004985.5(KRAS):c.198A>G (p.Ala66=)

Gene: KRAS (KRas proto-oncogene, GTPase; minus strand). Cytogenetic location: 12p12.1.
Variant type: single nucleotide variant.
Coding change: c.198A>G on transcript NM_004985.5 (MANE Select); coding-DNA position 198, A replaced by G.
Protein change: p.Ala66=; no amino-acid change (alanine 66 retained).
Molecular consequence: synonymous variant.
Genome position (GRCh38, 1-based): chr12:25,227,326, T>C on the plus strand (A>G on the coding strand, the complement: KRAS is on the minus strand). VCF-style: chr12-25227326-T-C. GRCh37 (hg19) VCF-style: chr12-25380260-T-C.
Other names: p.Ala66=; c.198A>G, p.Ala66= (NM_001369786.1, NM_001369787.1, NM_033360.4).
Identifiers: ClinVar variation 45118 (VCV000045118.30), dbSNP rs200229810, ClinGen allele CA135555.

ClinVar aggregate classification (germline): Benign/Likely benign. Review status: criteria provided, multiple submitters, no conflicts (2 of 4 stars). 8 submissions from 8 submitters: Benign (3); Likely benign (5). Last evaluated 2026-01-08.

Conditions:
RASopathy. Also called: rasopathies; Noonan spectrum disorder. Identifiers: Orphanet 536391, MedGen C5555857, MONDO:0021060.

Allele frequency attached by ClinVar (database versions not stated): ESP Exome Variant Server 0.00008; TOPMed 0.00012; gnomAD 0.00015 and 0.00016; 1000 Genomes Project 30x 0.00016; 1000 Genomes Project 0.00020.
gnomAD v4.1: 146 of 1,614,026 alleles (0.009%); highest among the groups gnomAD compares: Admixed American, 0.02%; no homozygotes.

Submissions (8):

Labcorp Genetics (formerly Invitae), Labcorp
Classification: Likely benign for RASopathy. Last evaluated: 2026-01-08. Review status: criteria provided, single submitter. Criteria: Invitae Variant Classification Sherloc (09022015). Collection method: clinical testing. Allele origin: germline.

Mayo Clinic Laboratories, Mayo Clinic
Classification: Likely benign. Last evaluated: 2025-08-27. Review status: criteria provided, single submitter. Criteria: ACMG Guidelines, 2015. Collection method: clinical testing. Allele origin: germline. Observed: 1 variant allele.
Comment: BP4, BP7

Laboratory of Genetics, Children's Clinical University Hospital Latvia
Classification: Likely benign. Last evaluated: 2025-02-16. Review status: criteria provided, single submitter. Criteria: ACMG Guidelines, 2015. Collection method: clinical testing. Allele origin: germline. Affected: yes.

Blueprint Genetics
Classification: Likely benign. Last evaluated: 2024-10-14. Review status: criteria provided, single submitter. Criteria: ACMG Guidelines, 2015. Collection method: clinical testing. Allele origin: germline.

Women's Health and Genetics/Laboratory Corporation of America, LabCorp
Classification: Benign. Last evaluated: 2019-11-21. Review status: criteria provided, single submitter. Criteria: LabCorp Variant Classification Summary - May 2015. Collection method: clinical testing. Allele origin: germline.

ARUP Laboratories, Molecular Genetics and Genomics, ARUP Laboratories
Classification: Benign. Last evaluated: 2019-09-23. Review status: criteria provided, single submitter. Criteria: ARUP Molecular Germline Variant Investigation Process. Collection method: clinical testing. Allele origin: germline.

Laboratory for Molecular Medicine, Mass General Brigham Personalized Medicine
Classification: Likely benign. Last evaluated: 2016-07-12. Review status: criteria provided, single submitter. Criteria: LMM Criteria. Collection method: clinical testing. Allele origin: germline. Observed: 4 variant alleles.
Comment: p.Ala66Ala in exon 3 of KRAS: This variant is not expected to have clinical sig nificance because it does not alter an amino acid residue and is not located wit hin the splice consensus sequence. It has been identified in 12/66636 of Europea n chromosomes by the Exome Aggregation Consortium (ExAC; dbSNP rs200229810).

GeneDx
Classification: Benign. Last evaluated: 2015-03-03. Review status: criteria provided, single submitter. Criteria: GeneDx Variant Classification Process June 2021. Collection method: clinical testing. Allele origin: germline. Affected: yes.